The following is an entry in ClinVar:

NM_004006.3(DMD):c.3506T>C (p.Met1169Thr)

Gene: DMD (dystrophin; minus strand). Cytogenetic location: Xp21.1.
Variant type: single nucleotide variant.
Coding change: c.3506T>C on transcript NM_004006.3 (MANE Select); coding-DNA position 3506, T replaced by C.
Protein change: p.Met1169Thr; replaces methionine 1169 with threonine.
Molecular consequence: missense variant.
Genome position (GRCh38, 1-based): chrX:32,454,759, A>G on the plus strand (T>C on the coding strand, the complement: DMD is on the minus strand). VCF-style: chrX-32454759-A-G. GRCh37 (hg19) VCF-style: chrX-32472876-A-G.
Other names: c.3482T>C, p.Met1161Thr (NM_000109.4); c.3494T>C, p.Met1165Thr (NM_004009.3); c.3137T>C, p.Met1046Thr (NM_004010.3); short protein forms M1046T, M1165T, M1161T, M1169T.
Identifiers: ClinVar variation 3730174 (VCV003730174.2).

ClinVar aggregate classification (germline): Uncertain significance (1 of 4 stars; one submission).

Conditions:
Duchenne muscular dystrophy (DMD). Also called: Duchenne Muscular Dystrophy (DMD); MUSCULAR DYSTROPHY, PSEUDOHYPERTROPHIC PROGRESSIVE, DUCHENNE TYPE. Identifiers: Orphanet 98896, MedGen C0013264, MONDO:0010679, OMIM 310200.

Submission:

Labcorp Genetics (formerly Invitae), Labcorp
Classification: Uncertain significance for Duchenne muscular dystrophy. Last evaluated: 2024-05-08. Review status: criteria provided, single submitter. Criteria: Invitae Variant Classification Sherloc (09022015). Collection method: clinical testing. Allele origin: germline.
Comment: This sequence change replaces methionine, which is neutral and non-polar, with threonine, which is neutral and polar, at codon 1169 of the DMD protein (p.Met1169Thr). This variant is not present in population databases (gnomAD no frequency). This variant has not been reported in the literature in individuals affected with DMD-related conditions. Advanced modeling of protein sequence and biophysical properties (such as structural, functional, and spatial information, amino acid conservation, physicochemical variation, residue mobility, and thermodynamic stability) performed at Invitae indicates that this missense variant is not expected to disrupt DMD protein function with a negative predictive value of 95%. In summary, the available evidence is currently insufficient to determine the role of this variant in disease. Therefore, it has been classified as a Variant of Uncertain Significance.